The following is an entry in ClinVar:

NM_000642.3(AGL):c.3411T>A (p.Pro1137=)

Gene: AGL (amylo-alpha-1,6-glucosidase and 4-alpha-glucanotransferase; plus strand). Cytogenetic location: 1p21.2.
Variant type: single nucleotide variant.
Coding change: c.3411T>A on transcript NM_000642.3 (MANE Select); coding-DNA position 3411, T replaced by A.
Protein change: p.Pro1137=; no amino-acid change (proline 1137 retained).
Molecular consequence: synonymous variant.
Genome position (GRCh38, 1-based): chr1:99,900,684, T>A. VCF-style: chr1-99900684-T-A. GRCh37 (hg19) VCF-style: chr1-100366240-T-A.
Other names: c.3363T>A, p.Pro1121= (NM_000646.3); c.3411T>A, p.Pro1137= (NM_001425325.1, NM_000643.3, NM_000644.3 and 1 more transcripts); c.3390T>A, p.Pro1130= (NM_001425326.1); c.3210T>A, p.Pro1070= (NM_001425327.1); c.3207T>A, p.Pro1069= (NM_001425328.1); c.3072T>A, p.Pro1024= (NM_001425329.1); c.3033T>A, p.Pro1011= (NM_001425332.1).
Identifiers: ClinVar variation 753486 (VCV000753486.13), dbSNP rs1185628017, ClinGen allele CA419314595.

ClinVar aggregate classification (germline): Likely benign. Review status: criteria provided, single submitter (1 of 4 stars). 2 submissions from 2 submitters: Likely benign (1). 1 of the submissions does not count toward it. Last evaluated 2024-05-13.

Conditions:
AGL-related disorder. Also called: AGL-related condition.
Glycogen storage disease type III (GSD3). Also called: FORBES DISEASE; Cori disease. Identifiers: Orphanet 366, MedGen C0017922, MONDO:0009291, OMIM 232400.

Allele frequency attached by ClinVar (database versions not stated): gnomAD exomes below 0.00001.
gnomAD v4.1: 3 of 1,614,178 alleles (0.00019%); highest among the groups gnomAD compares: South Asian, 0.0033%; no homozygotes.

Submissions (2):

Labcorp Genetics (formerly Invitae), Labcorp
Classification: Likely benign for Glycogen storage disease type III. Last evaluated: 2024-05-13. Review status: criteria provided, single submitter. Criteria: Invitae Variant Classification Sherloc (09022015). Collection method: clinical testing. Allele origin: germline.

PreventionGenetics, part of Exact Sciences
Classification: Likely benign for AGL-related condition. Last evaluated: 2019-04-04. Review status: no assertion criteria provided. Collection method: clinical testing. Allele origin: germline. Not counted in ClinVar's aggregate classification.
Comment: This variant is classified as likely benign based on ACMG/AMP sequence variant interpretation guidelines (Richards et al. 2015 PMID: 25741868, with internal and published modifications).